The following is an entry in ClinVar:

ClinVar aggregate classification (germline): Conflicting classifications of pathogenicity. Review status: criteria provided, conflicting classifications (1 of 4 stars). 4 submissions from 4 submitters: Uncertain significance (1); Likely benign (3). Last evaluated 2026-09-01.

Conditions:
NOTCH3-related disorder. Also called: NOTCH3-related condition; NOTCH3-related disorders.
Cerebral arteriopathy, autosomal dominant, with subcortical infarcts and leukoencephalopathy, type 1 (CADASIL1). Also called: CASIL; Cerebral arteriopathy with subcortical infarcts and leukoencephalopathy 1; CADASIL 1; DEMENTIA, HEREDITARY MULTIINFARCT TYPE. Identifiers: Orphanet 136, MedGen C4551768, MONDO:0000914, OMIM 125310.

Allele frequency attached by ClinVar (database versions not stated): gnomAD exomes 0.00011 and 0.00020; TOPMed 0.00011; gnomAD 0.00012 and 0.00014; ExAC 0.00019; ESP Exome Variant Server 0.00054.
gnomAD v4.1: 317 of 1,580,732 alleles (0.02%); highest among the groups gnomAD compares: Middle Eastern, 0.17%; 2 homozygotes.

Submissions (4):

CeGaT Center for Human Genetics Tuebingen
Classification: Likely benign. Last evaluated: 2026-09-01. Review status: criteria provided, single submitter. Criteria: CeGaT Center For Human Genetics Tuebingen Variant Classification Criteria Version 2. Collection method: clinical testing. Allele origin: germline. Affected: yes. Observed: 5 variant alleles.
Comment: NOTCH3: BP1, BP5

PreventionGenetics, part of Exact Sciences
Classification: Uncertain significance for NOTCH3-related condition. Last evaluated: 2026-04-15. Review status: criteria provided, single submitter. Criteria: ACMG Guidelines, 2015. Collection method: clinical testing. Allele origin: germline.
Comment: The NOTCH3 c.203C>T variant is predicted to result in the amino acid substitution p.Pro68Leu. To our knowledge, this variant has not been reported in the literature. This variant is reported in 0.028% of alleles in individuals of Latino descent in gnomAD. Although we suspect that this variant may be benign, at this time, the clinical significance of this variant is uncertain due to the absence of conclusive functional and genetic evidence.

Illumina Laboratory Services, Illumina
Classification: Likely benign for Cerebral arteriopathy, autosomal dominant, with subcortical infarcts and leukoencephalopathy, type 1. Last evaluated: 2018-01-12. Review status: criteria provided, single submitter. Criteria: ICSL Variant Classification Criteria 13 December 2019. Collection method: clinical testing. Allele origin: germline.
Comment: This variant was observed in the ICSL laboratory as part of a predisposition screen in an ostensibly healthy population. It had not been previously curated by ICSL or reported in the Human Gene Mutation Database (HGMD: prior to June 1st, 2018), and was therefore a candidate for classification through an automated scoring system. Utilizing variant allele frequency, disease prevalence and penetrance estimates, and inheritance mode, an automated score was calculated to assess if this variant is too frequent to cause the disease. Based on the score and internal cut-off values, a variant classified as likely benign is not then subjected to further curation. The score for this variant resulted in a classification of likely benign for this disease.

Athena Diagnostics
Classification: Likely benign. Last evaluated: 2017-02-15. Review status: criteria provided, single submitter. Criteria: Athena Diagnostics Criteria. Collection method: clinical testing. Allele origin: germline.

NM_000435.3(NOTCH3):c.203C>T (p.Pro68Leu)

Gene: NOTCH3 (notch receptor 3; minus strand). Cytogenetic location: 19p13.12.
Variant type: single nucleotide variant.
Coding change: c.203C>T on transcript NM_000435.3 (MANE Select); coding-DNA position 203, C replaced by T.
Protein change: p.Pro68Leu; replaces proline 68 with leucine.
Molecular consequence: missense variant.
Genome position (GRCh38, 1-based): chr19:15,192,514, G>A on the plus strand (C>T on the coding strand, the complement: NOTCH3 is on the minus strand). VCF-style: chr19-15192514-G-A. GRCh37 (hg19) VCF-style: chr19-15303325-G-A.
Other names: short protein forms P68L.
Identifiers: ClinVar variation 328420 (VCV000328420.48), dbSNP rs146810942, ClinGen allele CA9263952.